The following is an entry in ClinVar:

NM_001258392.3(CLPB):c.599G>A (p.Ser200Asn)

Gene: CLPB (ClpB family mitochondrial disaggregase; minus strand). Cytogenetic location: 11q13.4.
Variant type: single nucleotide variant.
Coding change: c.599G>A on transcript NM_001258392.3 (MANE Select); coding-DNA position 599, G replaced by A.
Protein change: p.Ser200Asn; replaces serine 200 with asparagine.
Molecular consequence: missense variant.
Genome position (GRCh38, 1-based): chr11:72,380,328, C>T on the plus strand (G>A on the coding strand, the complement: CLPB is on the minus strand). VCF-style: chr11-72380328-C-T. GRCh37 (hg19) VCF-style: chr11-72091372-C-T.
Other names: c.512G>A, p.Ser171Asn (NM_001258393.3); c.464G>A, p.Ser155Asn (NM_001258394.3); c.599G>A, p.Ser200Asn (NM_030813.6); c.599G>A (NM_030813.5); short protein forms S200N, S155N, S171N.
Identifiers: ClinVar variation 2883920 (VCV002883920.4), dbSNP rs1393780715, ClinGen allele CA381963399.

ClinVar aggregate classification (germline): Uncertain significance. Review status: criteria provided, multiple submitters, no conflicts (2 of 4 stars). 2 submissions from 2 submitters: Uncertain significance (2). Last evaluated 2025-04-30.

Conditions:
3-methylglutaconic aciduria, type VIIB (MGCA7B). Also called: CLPB Deficiency; 3-methylglutaconic aciduria with cataracts, neurologic involvement and neutropenia; 3-methylglutaconic aciduria, type VII, with cataracts, neurologic involvement and neutropenia. Identifiers: Orphanet 445038, MedGen C5676893, MONDO:0014561, OMIM 616271.

Allele frequency attached by ClinVar (database versions not stated): gnomAD 0.00001; gnomAD exomes 0.00001.
gnomAD v4.1: 11 of 1,614,040 alleles (0.00068%); highest among the groups gnomAD compares: Non-Finnish European, 0.00085%; no homozygotes.

Submissions (2):

GeneDx
Classification: Uncertain significance. Last evaluated: 2025-04-30. Review status: criteria provided, single submitter. Criteria: GeneDx Variant Classification Process June 2021. Collection method: clinical testing. Allele origin: germline. Affected: yes.
Comment: In silico analysis indicates that this missense variant does not alter protein structure/function; Has not been previously published as pathogenic or benign to our knowledge

Labcorp Genetics (formerly Invitae), Labcorp
Classification: Uncertain significance for 3-methylglutaconic aciduria, type VIIB. Last evaluated: 2024-07-01. Review status: criteria provided, single submitter. Criteria: Invitae Variant Classification Sherloc (09022015). Collection method: clinical testing. Allele origin: germline.
Comment: This sequence change replaces serine, which is neutral and polar, with asparagine, which is neutral and polar, at codon 200 of the CLPB protein (p.Ser200Asn). This variant is present in population databases (no rsID available, gnomAD 0.002%). This variant has not been reported in the literature in individuals affected with CLPB-related conditions. An algorithm developed to predict the effect of missense changes on protein structure and function (PolyPhen-2) suggests that this variant is likely to be tolerated. In summary, the available evidence is currently insufficient to determine the role of this variant in disease. Therefore, it has been classified as a Variant of Uncertain Significance.